The following is an entry in ClinVar:

ClinVar aggregate classification (germline): Uncertain significance. Review status: criteria provided, multiple submitters, no conflicts (2 of 4 stars). 2 submissions from 2 submitters: Uncertain significance (2). Last evaluated 2025-06-12.

gnomAD v4.1: 30 of 1,550,560 alleles (0.0019%); highest among the groups gnomAD compares: South Asian, 0.0024%; no homozygotes.

Submissions (2):

Labcorp Genetics (formerly Invitae), Labcorp
Classification: Uncertain significance. Last evaluated: 2025-06-12. Review status: criteria provided, single submitter. Criteria: Invitae Variant Classification Sherloc (09022015). Collection method: clinical testing. Allele origin: germline.
Comment: This sequence change replaces aspartic acid, which is acidic and polar, with asparagine, which is neutral and polar, at codon 2200 of the LOXHD1 protein (p.Asp2200Asn). This variant is present in population databases (no rsID available, gnomAD 0.006%). This variant has not been reported in the literature in individuals affected with LOXHD1-related conditions. ClinVar contains an entry for this variant (Variation ID: 3672659). An algorithm developed to predict the effect of missense changes on protein structure and function (PolyPhen-2) suggests that this variant is likely to be disruptive. In summary, the available evidence is currently insufficient to determine the role of this variant in disease. Therefore, it has been classified as a Variant of Uncertain Significance.

Blueprint Genetics
Classification: Uncertain significance. Last evaluated: 2021-11-25. Review status: criteria provided, single submitter. Criteria: ACMG Guidelines, 2015. Collection method: clinical testing. Allele origin: germline.

NM_001384474.1(LOXHD1):c.6784G>A (p.Asp2262Asn)

Gene: LOXHD1 (lipoxygenase homology PLAT domains 1; minus strand). Cytogenetic location: 18q21.1.
Variant type: single nucleotide variant.
Coding change: c.6784G>A on transcript NM_001384474.1 (MANE Select); coding-DNA position 6784, G replaced by A.
Protein change: p.Asp2262Asn; replaces aspartic acid 2262 with asparagine.
Molecular consequence: missense variant. On other transcripts: intron variant (3).
Genome position (GRCh38, 1-based): chr18:46,477,510, C>T on the plus strand (G>A on the coding strand, the complement: LOXHD1 is on the minus strand). VCF-style: chr18-46477510-C-T. GRCh37 (hg19) VCF-style: chr18-44057473-C-T.
Other names: c.1501G>A, p.Asp501Asn (NM_001145473.3); c.6598G>A, p.Asp2200Asn (NM_144612.7); c.3307+144G>A (NM_001145472.3); c.3033+130G>A (NM_001308013.2); c.1371+130G>A (NM_001173129.2); short protein forms D501N, D2262N, D2200N.
Identifiers: ClinVar variation 3672659 (VCV003672659.3).